The following is an entry in ClinVar:

ClinVar aggregate classification (germline): Uncertain significance (1 of 4 stars; one submission).

Conditions:
Diffuse cerebral and cerebellar atrophy - intractable seizures - progressive microcephaly syndrome. Also called: Microcephaly, progressive, with seizures and cerebral and cerebellar atrophy. Identifiers: Orphanet 404437, MedGen C4014239, MONDO:0014335, OMIM 615760.

Allele frequency attached by ClinVar (database versions not stated): gnomAD exomes 0.00001 and 0.00002; TOPMed 0.00001; ExAC 0.00002.
gnomAD v4.1: 8 of 1,614,202 alleles (0.0005%); highest among the groups gnomAD compares: Non-Finnish European, 0.00059%; no homozygotes.

Submission:

Labcorp Genetics (formerly Invitae), Labcorp
Classification: Uncertain significance for Diffuse cerebral and cerebellar atrophy - intractable seizures - progressive microcephaly syndrome. Last evaluated: 2022-05-25. Review status: criteria provided, single submitter. Criteria: Invitae Variant Classification Sherloc (09022015). Collection method: clinical testing. Allele origin: germline.
Comment: In summary, the available evidence is currently insufficient to determine the role of this variant in disease. Therefore, it has been classified as a Variant of Uncertain Significance. Algorithms developed to predict the effect of missense changes on protein structure and function are either unavailable or do not agree on the potential impact of this missense change (SIFT: "Deleterious"; PolyPhen-2: "Probably Damaging"; Align-GVGD: "Class C15"). ClinVar contains an entry for this variant (Variation ID: 409242). This variant has not been reported in the literature in individuals affected with QARS-related conditions. This variant is present in population databases (rs763741745, gnomAD 0.004%). This sequence change replaces valine, which is neutral and non-polar, with alanine, which is neutral and non-polar, at codon 732 of the QARS protein (p.Val732Ala).

NM_005051.3(QARS1):c.2195T>C (p.Val732Ala)

Gene: QARS1 (glutaminyl-tRNA synthetase 1; minus strand). Cytogenetic location: 3p21.31.
Variant type: single nucleotide variant.
Coding change: c.2195T>C on transcript NM_005051.3 (MANE Select); coding-DNA position 2195, T replaced by C.
Protein change: p.Val732Ala; replaces valine 732 with alanine.
Molecular consequence: missense variant. On other transcripts: non-coding transcript variant (1).
Genome position (GRCh38, 1-based): chr3:49,098,074, A>G on the plus strand (T>C on the coding strand, the complement: QARS1 is on the minus strand). VCF-style: chr3-49098074-A-G. GRCh37 (hg19) VCF-style: chr3-49135507-A-G.
Other names: c.2162T>C, p.Val721Ala (NM_001272073.2); short protein forms V732A, V721A.
Identifiers: ClinVar variation 409242 (VCV000409242.6), dbSNP rs763741745, ClinGen allele CA2391481.